The following is an entry in ClinVar:

ClinVar aggregate classification (germline): Uncertain significance (1 of 4 stars; one submission).

Conditions:
Autosomal recessive limb-girdle muscular dystrophy type R18 (LGMDR18). Also called: Limb-girdle muscular dystrophy, type 2S; Autosomal recessive limb-girdle muscular dystrophy type 2S; MUSCULAR DYSTROPHY, LIMB-GIRDLE, AUTOSOMAL RECESSIVE 18. Identifiers: Orphanet 369840, MedGen C4517996, MONDO:0014144, OMIM 615356.

Submission:

Labcorp Genetics (formerly Invitae), Labcorp
Classification: Uncertain significance for Autosomal recessive limb-girdle muscular dystrophy type R18. Last evaluated: 2021-04-04. Review status: criteria provided, single submitter. Criteria: Invitae Variant Classification Sherloc (09022015). Collection method: clinical testing. Allele origin: germline.
Comment: In summary, the available evidence is currently insufficient to determine the role of this variant in disease. Therefore, it has been classified as a Variant of Uncertain Significance. Algorithms developed to predict the effect of missense changes on protein structure and function output the following: SIFT: "Tolerated"; PolyPhen-2: "Benign"; Align-GVGD: "Class C0". The leucine amino acid residue is found in multiple mammalian species, suggesting that this missense change does not adversely affect protein function. These predictions have not been confirmed by published functional studies and their clinical significance is uncertain. This sequence change replaces histidine with leucine at codon 595 of the TRAPPC11 protein (p.His595Leu). The histidine residue is moderately conserved and there is a moderate physicochemical difference between histidine and leucine. This variant is not present in population databases (ExAC no frequency). This variant has not been reported in the literature in individuals with TRAPPC11-related conditions.

NM_021942.6(TRAPPC11):c.1784A>T (p.His595Leu)

Gene: TRAPPC11 (trafficking protein particle complex subunit 11; plus strand). Cytogenetic location: 4q35.1.
Variant type: single nucleotide variant.
Coding change: c.1784A>T on transcript NM_021942.6 (MANE Select); coding-DNA position 1784, A replaced by T.
Protein change: p.His595Leu; replaces histidine 595 with leucine.
Molecular consequence: missense variant.
Genome position (GRCh38, 1-based): chr4:183,686,639, A>T. VCF-style: chr4-183686639-A-T. GRCh37 (hg19) VCF-style: chr4-184607792-A-T.
Other names: c.1784A>T, p.His595Leu (NM_199053.3); short protein forms H595L.
Identifiers: ClinVar variation 1522985 (VCV001522985.8), dbSNP rs1465799720, ClinGen allele CA358869653.